The following is an entry in ClinVar:

NM_002691.4(POLD1):c.1063C>T (p.Leu355Phe)

Gene: POLD1 (DNA polymerase delta 1, catalytic subunit; plus strand). Cytogenetic location: 19q13.33.
Variant type: single nucleotide variant.
Coding change: c.1063C>T on transcript NM_002691.4 (MANE Select); coding-DNA position 1063, C replaced by T.
Protein change: p.Leu355Phe; replaces leucine 355 with phenylalanine.
Molecular consequence: missense variant. On other transcripts: non-coding transcript variant (1).
Genome position (GRCh38, 1-based): chr19:50,403,145, C>T. VCF-style: chr19-50403145-C-T. GRCh37 (hg19) VCF-style: chr19-50906402-C-T.
Other names: c.1063C>T, p.Leu355Phe (NM_001256849.1, NM_001308632.1); short protein forms L355F.
Identifiers: ClinVar variation 1497854 (VCV001497854.10), dbSNP rs2122270356, ClinGen allele CA406978225.

ClinVar aggregate classification (germline): Uncertain significance. Review status: criteria provided, multiple submitters, no conflicts (2 of 4 stars). 2 submissions from 2 submitters: Uncertain significance (2). Last evaluated 2022-07-12.

Conditions:
POLD1-related polyposis and colorectal cancer syndrome (CRCS10). Also called: Colorectal cancer 10; COLORECTAL CANCER, SUSCEPTIBILITY TO, ON CHROMOSOME 19q; Colorectal cancer, susceptibility to, 10. Identifiers: Orphanet 220460, MedGen C2675481, MONDO:0012953, OMIM 612591.
Hereditary cancer-predisposing syndrome. Also called: Neoplastic Syndromes, Hereditary; Tumor predisposition; Hereditary Cancer Syndrome; Hereditary neoplastic syndrome. Identifiers: Orphanet 140162, MedGen C0027672, MeSH D009386, MONDO:0015356.

Allele frequency attached by ClinVar (database versions not stated): gnomAD exomes below 0.00001.
gnomAD v4.1: 1 of 1,561,176 alleles (0.000064%); highest among the groups gnomAD compares: South Asian, 0.0012%; no homozygotes.

Submissions (2):

Labcorp Genetics (formerly Invitae), Labcorp
Classification: Uncertain significance for POLD1-related polyposis and colorectal cancer syndrome. Last evaluated: 2022-07-12. Review status: criteria provided, single submitter. Criteria: Invitae Variant Classification Sherloc (09022015). Collection method: clinical testing. Allele origin: germline.
Comment: In summary, the available evidence is currently insufficient to determine the role of this variant in disease. Therefore, it has been classified as a Variant of Uncertain Significance. Algorithms developed to predict the effect of missense changes on protein structure and function (SIFT, PolyPhen-2, Align-GVGD) all suggest that this variant is likely to be tolerated. ClinVar contains an entry for this variant (Variation ID: 1497854). This variant has not been reported in the literature in individuals affected with POLD1-related conditions. This variant is not present in population databases (gnomAD no frequency). This sequence change replaces leucine, which is neutral and non-polar, with phenylalanine, which is neutral and non-polar, at codon 355 of the POLD1 protein (p.Leu355Phe).

Ambry Genetics
Classification: Uncertain significance for Hereditary cancer-predisposing syndrome. Last evaluated: 2020-04-20. Review status: criteria provided, single submitter. Criteria: Ambry Variant Classification Scheme 2023. Collection method: clinical testing. Allele origin: germline.
Comment: The p.L355F variant (also known as c.1063C>T), located in coding exon 8 of the POLD1 gene, results from a C to T substitution at nucleotide position 1063. The leucine at codon 355 is replaced by phenylalanine, an amino acid with highly similar properties. This amino acid position is well conserved in available vertebrate species. In addition, this alteration is predicted to be tolerated by in silico analysis. Since supporting evidence is limited at this time, the clinical significance of this alteration remains unclear.